The following is an entry in ClinVar:

NM_001035.3(RYR2):c.3598+10_3598+12del

Gene: RYR2 (ryanodine receptor 2; plus strand). Cytogenetic location: 1q43.
Variant type: Microsatellite.
Coding change: c.3598+10_3598+12del on transcript NM_001035.3 (MANE Select); bases 10 to 12 of the intron after coding-DNA position 3598, 3 bases deleted (CTA; older notation c.3598+10_3598+12delCTA).
Molecular consequence: intron variant.
Genome position (GRCh38, 1-based): chr1:237,569,329-237,569,331, CTA deleted; deleting any 3 consecutive bases within chr1:237,569,326-237,569,331 gives the same sequence; the c. name uses the placement nearest the transcript's 3' end. VCF-style (leftmost placement, unchanged base first): chr1-237569325-TCTA-T. GRCh37 (hg19) VCF-style: chr1-237732625-TCTA-T.
Other names: c.3598+10_3598+12del (NM_001035.2).
Identifiers: ClinVar variation 422941 (VCV000422941.16), dbSNP rs757703672, ClinGen allele CA086416.

ClinVar aggregate classification (germline): Likely benign. Review status: criteria provided, multiple submitters, no conflicts (2 of 4 stars). 4 submissions from 4 submitters: Likely benign (4). Last evaluated 2025-10-04.

Conditions:
Catecholaminergic polymorphic ventricular tachycardia (CVPT). Also called: Catecholamine-induced polymorphic ventricular tachycardia. Identifiers: Orphanet 3286, MedGen C5574922, MONDO:0017990.
Cardiomyopathy (CMYO). Also called: Cardiomyopathies. Identifiers: Orphanet 167848, MedGen C0878544, MONDO:0004994, HP:0001638. Inheritance: Various modes of inheritance.
Catecholaminergic polymorphic ventricular tachycardia 1. Also called: RYR2-Related Catecholaminergic Polymorphic Ventricular Tachycardia; VENTRICULAR TACHYCARDIA, STRESS-INDUCED POLYMORPHIC 1; VENTRICULAR TACHYCARDIA, CATECHOLAMINERGIC POLYMORPHIC, 1, WITH OR WITHOUT ATRIAL DYSFUNCTION AND/OR DILATED CARDIOMYOPATHY. Identifiers: Orphanet 3286, MedGen C1631597, MONDO:0011484, OMIM 604772.

Submissions (4):

Labcorp Genetics (formerly Invitae), Labcorp
Classification: Likely benign for Catecholaminergic polymorphic ventricular tachycardia 1. Last evaluated: 2025-10-04. Review status: criteria provided, single submitter. Criteria: Invitae Variant Classification Sherloc (09022015). Collection method: clinical testing. Allele origin: germline.

All of Us Research Program, National Institutes of Health
Classification: Likely benign for Catecholaminergic polymorphic ventricular tachycardia. Last evaluated: 2023-04-28. Review status: criteria provided, single submitter. Criteria: ACMG Guidelines, 2015. Collection method: clinical testing. Allele origin: germline. Inheritance: Autosomal dominant inheritance. Observed: 2 variant alleles, 2 heterozygotes.
Comment: This study involves interpretation of variants in research participants for the purpose of population health screening. Participant phenotype was not available at the time of variant classification. Additional details can be found in publication PMID: 35346344, PMCID: PMC8962531

Color Diagnostics, LLC DBA Color Health
Classification: Likely benign for Cardiomyopathy. Last evaluated: 2018-10-02. Review status: criteria provided, single submitter. Criteria: ACMG Guidelines, 2015. Collection method: clinical testing. Allele origin: germline.

GeneDx
Classification: Likely benign. Last evaluated: 2016-12-27. Review status: criteria provided, single submitter. Criteria: GeneDx Variant Classification (06012015). Collection method: clinical testing. Allele origin: germline. Affected: yes.
Comment: This variant is considered likely benign or benign based on one or more of the following criteria: it is a conservative change, it occurs at a poorly conserved position in the protein, it is predicted to be benign by multiple in silico algorithms, and/or has population frequency not consistent with disease.